The following is an entry in ClinVar:

NM_144499.3(GNAT1):c.259C>T (p.Leu87Phe)

Gene: GNAT1 (G protein subunit alpha transducin 1; plus strand). Cytogenetic location: 3p21.31.
Variant type: single nucleotide variant.
Coding change: c.259C>T on transcript NM_144499.3 (MANE Select); coding-DNA position 259, C replaced by T.
Protein change: p.Leu87Phe; replaces leucine 87 with phenylalanine.
Molecular consequence: missense variant.
Genome position (GRCh38, 1-based): chr3:50,193,374, C>T. VCF-style: chr3-50193374-C-T. GRCh37 (hg19) VCF-style: chr3-50230807-C-T.
Other names: c.259C>T, p.Leu87Phe (NM_000172.4); short protein forms L87F.
Identifiers: ClinVar variation 930996 (VCV000930996.3), dbSNP rs1699444080, ClinGen allele CA352913797.

ClinVar aggregate classification (germline): Uncertain significance (1 of 4 stars; one submission).

Conditions:
Congenital stationary night blindness 1G. Identifiers: Orphanet 215, MedGen C4225345, MONDO:0014614, OMIM 616389.

Submission:

Centre for Mendelian Genomics, University Medical Centre Ljubljana
Classification: Uncertain significance for Congenital stationary night blindness 1G. Last evaluated: 2019-01-16. Review status: criteria provided, single submitter. Criteria: ACMG Guidelines, 2015. Collection method: clinical testing. Allele origin: unknown. Affected: yes.
Comment: This variant was classified as: Uncertain significance. The available evidence on this variant's pathogenicity is insufficient or conflicting. The following ACMG criteria were applied in classifying this variant: PM2,PP3.